The following is an entry in ClinVar:

ClinVar aggregate classification (germline): Likely benign (1 of 4 stars; one submission).

Allele frequency attached by ClinVar (database versions not stated): gnomAD exomes below 0.00001; ExAC 0.00001.

Submission:

CeGaT Center for Human Genetics Tuebingen
Classification: Likely benign. Last evaluated: 2024-02-01. Review status: criteria provided, single submitter. Criteria: CeGaT Center For Human Genetics Tuebingen Variant Classification Criteria Version 2. Collection method: clinical testing. Allele origin: germline. Affected: yes. Observed: 1 variant allele.
Comment: MUC2: BP4, BP7

NM_002457.5(MUC2):c.13032T>C (p.Pro4344=)

Gene: MUC2 (mucin 2, oligomeric mucus/gel-forming; plus strand). Cytogenetic location: 11p15.5.
Variant type: single nucleotide variant.
Coding change: c.13032T>C on transcript NM_002457.5 (MANE Select); coding-DNA position 13032, T replaced by C.
Protein change: p.Pro4344=; no amino-acid change (proline 4344 retained).
Molecular consequence: synonymous variant.
Genome position (GRCh38, 1-based): chr11:1,101,365, T>C. VCF-style: chr11-1101365-T-C. GRCh37 (hg19) VCF-style: chr11-1095273-T-C.
Identifiers: ClinVar variation 3026205 (VCV003026205.22), dbSNP rs772058688, ClinGen allele CA5800670.